The following is an entry in ClinVar:

NM_000384.3(APOB):c.7717T>G (p.Trp2573Gly)

Gene: APOB (apolipoprotein B; minus strand). Cytogenetic location: 2p24.1.
Variant type: single nucleotide variant.
Coding change: c.7717T>G on transcript NM_000384.3 (MANE Select); coding-DNA position 7717, T replaced by G.
Protein change: p.Trp2573Gly; replaces tryptophan 2573 with glycine.
Molecular consequence: missense variant.
Genome position (GRCh38, 1-based): chr2:21,009,151, A>C on the plus strand (T>G on the coding strand, the complement: APOB is on the minus strand). VCF-style: chr2-21009151-A-C. GRCh37 (hg19) VCF-style: chr2-21232023-A-C.
Other names: short protein forms W2573G.
Identifiers: ClinVar variation 925405 (VCV000925405.8), dbSNP rs763937444, ClinGen allele CA064712.

ClinVar aggregate classification (germline): Conflicting classifications of pathogenicity. Review status: criteria provided, conflicting classifications (1 of 4 stars). 3 submissions from 3 submitters: Uncertain significance (2); Likely benign (1). Last evaluated 2025-03-14.

Conditions:
Familial hypobetalipoproteinemia 1. Also called: Hypobetalipoproteinemia, normotriglyceridemic; Acanthocytosis with hypobetalipoproteinemia; APOB-Related Familial Hypobetalipoproteinemia. Identifiers: MedGen C4551990, MONDO:0014252, OMIM 615558.
Hypercholesterolemia, autosomal dominant, type B (FHCL2). Also called: Familial Hypercholesterolemia Type B; HYPERCHOLESTEROLEMIA, FAMILIAL, DUE TO LIGAND-DEFECTIVE APOLIPOPROTEIN B; Familial hypercholesterolemia 2; APOB-Related Familial Hypercholesterolemia, Autosomal Dominant; APOLIPOPROTEIN B-100, FAMILIAL DEFECTIVE; APOLIPOPROTEIN B-100, FAMILIAL LIGAND-DEFECTIVE. Identifiers: MedGen C1704417, MONDO:0007751, OMIM 144010.
Cardiovascular phenotype. Identifiers: MedGen CN230736.

Allele frequency attached by ClinVar (database versions not stated): ExAC 0.00001; gnomAD 0.00001; gnomAD exomes 0.00001; TOPMed 0.00001.
gnomAD v4.1: 3 of 1,613,970 alleles (0.00019%); highest among the groups gnomAD compares: Non-Finnish European, 0.00025%; no homozygotes.

Submissions (3):

Ambry Genetics
Classification: Uncertain significance for Cardiovascular phenotype. Last evaluated: 2025-03-14. Review status: criteria provided, single submitter. Criteria: Ambry Variant Classification Scheme 2023. Collection method: clinical testing. Allele origin: germline.
Comment: The p.W2573G variant (also known as c.7717T>G), located in coding exon 26 of the APOB gene, results from a T to G substitution at nucleotide position 7717. The tryptophan at codon 2573 is replaced by glycine, an amino acid with highly dissimilar properties. This amino acid position is conserved. In addition, this alteration is predicted to be tolerated by in silico analysis. Since supporting evidence is limited at this time, the clinical significance of this alteration remains unclear.

Labcorp Genetics (formerly Invitae), Labcorp
Classification: Likely benign for Familial hypobetalipoproteinemia 1; Hypercholesterolemia, autosomal dominant, type B. Last evaluated: 2024-04-12. Review status: criteria provided, single submitter. Criteria: Invitae Variant Classification Sherloc (09022015). Collection method: clinical testing. Allele origin: germline.

Fulgent Genetics
Classification: Uncertain significance for Hypercholesterolemia, autosomal dominant, type B; Familial hypobetalipoproteinemia 1. Last evaluated: 2021-12-15. Review status: criteria provided, single submitter. Criteria: ACMG Guidelines, 2015. Collection method: clinical testing. Allele origin: unknown.